The following is an entry in ClinVar:

ClinVar aggregate classification (germline): Uncertain significance (1 of 4 stars; one submission).

Allele frequency attached by ClinVar (database versions not stated): gnomAD 0.00003; TOPMed 0.00004; ESP Exome Variant Server 0.00015; gnomAD exomes below 0.00001.
gnomAD v4.1: 7 of 1,613,680 alleles (0.00043%); highest among the groups gnomAD compares: African/African-American, 0.0013%; no homozygotes.

Submission:

Labcorp Genetics (formerly Invitae), Labcorp
Classification: Uncertain significance. Last evaluated: 2022-03-10. Review status: criteria provided, single submitter. Criteria: Invitae Variant Classification Sherloc (09022015). Collection method: clinical testing. Allele origin: germline.
Comment: This sequence change falls in intron 5 of the TBX15 gene. It does not directly change the encoded amino acid sequence of the TBX15 protein. It affects a nucleotide within the consensus splice site. In summary, the available evidence is currently insufficient to determine the role of this variant in disease. Therefore, it has been classified as a Variant of Uncertain Significance. Variants that disrupt the consensus splice site are a relatively common cause of aberrant splicing (PMID: 17576681, 9536098). Algorithms developed to predict the effect of sequence changes on RNA splicing suggest that this variant is not likely to affect RNA splicing. This variant has not been reported in the literature in individuals affected with TBX15-related conditions. This variant is present in population databases (rs370064454, gnomAD 0.002%).

Literature cited by the submitters: PubMed 17576681; PubMed 9536098.

NM_001330677.2(TBX15):c.861+6A>G

Gene: TBX15 (T-box transcription factor 15; minus strand). Cytogenetic location: 1p12.
Variant type: single nucleotide variant.
Coding change: c.861+6A>G on transcript NM_001330677.2 (MANE Select); 6 bases into the intron after coding-DNA position 861, A replaced by G.
Molecular consequence: intron variant.
Genome position (GRCh38, 1-based): chr1:118,923,430, T>C on the plus strand (A>G on the coding strand, the complement: TBX15 is on the minus strand). VCF-style: chr1-118923430-T-C. GRCh37 (hg19) VCF-style: chr1-119466053-T-C.
Other names: c.543+6A>G (NM_152380.3).
Identifiers: ClinVar variation 2077843 (VCV002077843.4), dbSNP rs370064454, ClinGen allele CA30364399.